The following is an entry in ClinVar:

ClinVar aggregate classification (germline): Likely benign (1 of 4 stars; one submission).

gnomAD v4.1: 3 of 1,612,024 alleles (0.00019%); highest among the groups gnomAD compares: South Asian, 0.0033%; no homozygotes.

Submission:

CeGaT Center for Human Genetics Tuebingen
Classification: Likely benign. Last evaluated: 2023-05-01. Review status: criteria provided, single submitter. Criteria: CeGaT Center For Human Genetics Tuebingen Variant Classification Criteria Version 2. Collection method: clinical testing. Allele origin: germline. Affected: yes. Observed: 1 variant allele.
Comment: CTC1: PM2:Supporting, BP4, BP7

NM_025099.6(CTC1):c.2319C>G (p.Thr773=)

Gene: CTC1 (CST telomere replication complex component 1; minus strand). Cytogenetic location: 17p13.1.
Variant type: single nucleotide variant.
Coding change: c.2319C>G on transcript NM_025099.6 (MANE Select); coding-DNA position 2319, C replaced by G.
Protein change: p.Thr773=; no amino-acid change (threonine 773 retained).
Molecular consequence: synonymous variant. On other transcripts: non-coding transcript variant (1).
Genome position (GRCh38, 1-based): chr17:8,231,969, G>C on the plus strand (C>G on the coding strand, the complement: CTC1 is on the minus strand). VCF-style: chr17-8231969-G-C. GRCh37 (hg19) VCF-style: chr17-8135287-G-C.
Other names: c.2319C>G, p.Thr773= (NM_001411067.1).
Identifiers: ClinVar variation 2647455 (VCV002647455.24), dbSNP rs2507896693, ClinGen allele CA497959027.
Genomic context (GRCh38, chr17:8,231,969, plus strand): 5'-ATCATTGTCGTCATTTCCCTGGGGCTCGGGCAGCCCCCATCCAGTACCCTCCTTCCTCTG[G>C]GTGCCCCCAAGCCAGCTCCCCAACACATAGAAACTGAGGGCGGGCTTGGGCACCTCTGGA-3'
Protein context (NP_079375.3, residues 763-783): FYVLGSWLGG[Thr773=]QRKEGTGWGL